The following is an entry in ClinVar:

NM_003859.3(DPM1):c.52G>C (p.Glu18Gln)

Genes: DPM1 (dolichyl-phosphate mannosyltransferase subunit 1, catalytic; minus strand), LOC130066166 (ATAC-STARR-seq lymphoblastoid active region 18108; plus strand). Cytogenetic location: 20q13.13.
Variant type: single nucleotide variant.
Coding change: c.52G>C on transcript NM_003859.3 (MANE Select); coding-DNA position 52, G replaced by C.
Protein change: p.Glu18Gln; replaces glutamic acid 18 with glutamine.
Molecular consequence: missense variant. On other transcripts: non-coding transcript variant (1).
Genome position (GRCh38, 1-based): chr20:50,958,472, C>G on the plus strand (G>C on the coding strand, the complement: DPM1 is on the minus strand). VCF-style: chr20-50958472-C-G. GRCh37 (hg19) VCF-style: chr20-49575009-C-G.
Other names: c.52G>C, p.Glu18Gln (NM_001317034.1, NM_001317035.1, NM_001317036.1); short protein forms E18Q.
Identifiers: ClinVar variation 574813 (VCV000574813.11), dbSNP rs11553474, ClinGen allele CA9909256.

ClinVar aggregate classification (germline): Uncertain significance (1 of 4 stars; one submission).

Conditions:
Congenital disorder of glycosylation type 1E (CDG1E). Also called: CONGENITAL DISORDER OF GLYCOSYLATION, TYPE Ie; CDG Ie. Identifiers: Orphanet 79322, MedGen C1837396, MONDO:0012123, OMIM 608799.

Allele frequency attached by ClinVar (database versions not stated): gnomAD exomes below 0.00001; ExAC 0.00001; gnomAD 0.00001.
gnomAD v4.1: 7 of 1,613,634 alleles (0.00043%); highest among the groups gnomAD compares: Non-Finnish European, 0.00042%; no homozygotes.

Submission:

Labcorp Genetics (formerly Invitae), Labcorp
Classification: Uncertain significance for Congenital disorder of glycosylation type 1E. Last evaluated: 2019-07-30. Review status: criteria provided, single submitter. Criteria: Invitae Variant Classification Sherloc (09022015). Collection method: clinical testing. Allele origin: germline.
Comment: This sequence change replaces glutamic acid with glutamine at codon 18 of the DPM1 protein (p.Glu18Gln). The glutamic acid residue is weakly conserved and there is a small physicochemical difference between glutamic acid and glutamine. This variant is present in population databases (rs11553474, ExAC 0.002%). This variant has not been reported in the literature in individuals with DPM1-related disease. Algorithms developed to predict the effect of missense changes on protein structure and function output the following: SIFT: "Tolerated"; PolyPhen-2: "Benign"; Align-GVGD: "Class C0". The glutamine amino acid residue is found in multiple mammalian species, suggesting that this missense change does not adversely affect protein function. These predictions have not been confirmed by published functional studies and their clinical significance is uncertain. In summary, the available evidence is currently insufficient to determine the role of this variant in disease. Therefore, it has been classified as a Variant of Uncertain Significance.